The following is an entry in ClinVar:

ClinVar aggregate classification (germline): Likely pathogenic. Review status: criteria provided, multiple submitters, no conflicts (2 of 4 stars). 2 submissions from 2 submitters: Likely pathogenic (2). Last evaluated 2025-04-04.

Conditions:
Leber congenital amaurosis (LCA). Also called: Leber's amaurosis. Identifiers: Orphanet 65, MedGen C0339527, MeSH D057130, MONDO:0018998.
Leber congenital amaurosis 8 (LCA8). Identifiers: Orphanet 65, MedGen C3151202, MONDO:0013453, OMIM 613835.

Submissions (2):

Natera, Inc.
Classification: Likely pathogenic for Leber congenital amaurosis. Last evaluated: 2025-04-04. Review status: criteria provided, single submitter. Criteria: Natera Variant Classification Schema (03/2026). Collection method: clinical testing. Allele origin: germline.
Comment: The c.918G>A variant in CRB1 is a nonsense variant predicted to introduce a stop codon at amino acid 306. This variant is expected to result in nonsense mediated decay, truncation, or a dysfunctional protein product. This variant is rare in the general population with a frequency below the threshold expected for the associated phenotype(s). Given the available evidence, this variant is classified as Likely Pathogenic.

Baylor Genetics
Classification: Likely pathogenic for Leber congenital amaurosis 8. Last evaluated: 2024-03-30. Review status: criteria provided, single submitter. Criteria: ACMG Guidelines, 2015. Collection method: clinical testing. Allele origin: unknown.

NM_201253.3(CRB1):c.918G>A (p.Trp306Ter)

Gene: CRB1 (crumbs cell polarity complex component 1; plus strand). Cytogenetic location: 1q31.3.
Variant type: single nucleotide variant.
Coding change: c.918G>A on transcript NM_201253.3 (MANE Select); coding-DNA position 918, G replaced by A.
Protein change: p.Trp306Ter; replaces tryptophan 306 with a stop codon.
Molecular consequence: nonsense. On other transcripts: non-coding transcript variant (2), intron variant (1).
Genome position (GRCh38, 1-based): chr1:197,347,409, G>A. VCF-style: chr1-197347409-G-A. GRCh37 (hg19) VCF-style: chr1-197316539-G-A.
Other names: c.711G>A, p.Trp237Ter (NM_001257965.2); c.918G>A, p.Trp306Ter (NM_001257966.2); c.653-9422G>A (NM_001193640.2); c.918G>A (NM_201253.2); short protein forms W237*, W306*.
Identifiers: ClinVar variation 2680955 (VCV002680955.4), dbSNP rs2527646571, ClinGen allele CA344084116.